The following is an entry in ClinVar:

ClinVar aggregate classification (germline): Uncertain significance (1 of 4 stars; one submission).

gnomAD v4.1: 1 of 1,614,024 alleles (0.000062%); highest among the groups gnomAD compares: Non-Finnish European, 0.000085%; no homozygotes.

Submission:

Dasa
Classification: Uncertain significance. Last evaluated: 2026-01-12. Review status: criteria provided, single submitter. Criteria: DASA Assertion Criteria. Collection method: clinical testing. Allele origin: germline.
Comment: NM_024529.5(CDC73):c.131+7C>A is a splice-region variant. This variant is rare in population databases. Computational prediction algorithms are consistent with a benign effect. The currently available literature and clinical evidence are not sufficient to establish a definitive association between this variant and the reported condition. Therefore, this variant is classified as a variant of uncertain significance.

NM_024529.5(CDC73):c.131+7C>A

Gene: CDC73 (cell division cycle 73; plus strand). Cytogenetic location: 1q31.2.
Variant type: single nucleotide variant.
Coding change: c.131+7C>A on transcript NM_024529.5 (MANE Select); 7 bases into the intron after coding-DNA position 131, C replaced by A.
Molecular consequence: intron variant.
Genome position (GRCh38, 1-based): chr1:193,122,338, C>A. VCF-style: chr1-193122338-C-A. GRCh37 (hg19) VCF-style: chr1-193091468-C-A.
Identifiers: ClinVar variation 4885174 (VCV004885174.2).